The following is an entry in ClinVar:

ClinVar aggregate classification (germline): Conflicting classifications of pathogenicity. Review status: criteria provided, conflicting classifications (1 of 4 stars). 6 submissions from 6 submitters: Pathogenic (4); Likely pathogenic (1); Uncertain significance (1). Last evaluated 2026-06-25.

Conditions:
Hereditary cancer-predisposing syndrome. Also called: Neoplastic Syndromes, Hereditary; Hereditary Cancer Syndrome; Hereditary neoplastic syndrome; Tumor predisposition. Identifiers: Orphanet 140162, MedGen C0027672, MeSH D009386, MONDO:0015356.
Inherited breast cancer and ovarian cancer.
Fanconi anemia complementation group O. Also called: RAD51C-Related Fanconi Anemia. Identifiers: Orphanet 84, MedGen C3150653, MONDO:0013248, OMIM 613390.
Breast-ovarian cancer, familial, susceptibility to, 3. Also called: RAD51C-Related Breast/Ovarian Cancer. Identifiers: Orphanet 145, MedGen C3150659, MONDO:0013253, OMIM 613399.

gnomAD v4.1: 1 of 1,611,564 alleles (0.000062%); highest among the groups gnomAD compares: Non-Finnish European, 0.000085%; no homozygotes.

Submissions (6):

Genetics Laboratory, Great Ormond Street Hospital NHS Foundation Trust, North Thames Genomic Laboratory Hub
Classification: Uncertain significance for Inherited breast cancer and ovarian cancer. Last evaluated: 2026-06-25. Review status: criteria provided, single submitter. Criteria: CanVIG RAD51CD Gene Specific V1.2. Collection method: clinical testing. Allele origin: germline. Affected: yes.
Comment: PM2_supporting, PVS1_strong

Labcorp Genetics (formerly Invitae), Labcorp
Classification: Pathogenic for Fanconi anemia complementation group O. Last evaluated: 2025-07-30. Review status: criteria provided, single submitter. Criteria: Invitae Variant Classification Sherloc (09022015). Collection method: clinical testing. Allele origin: germline.
Comment: This sequence change affects an acceptor splice site in intron 6 of the RAD51C gene. RNA analysis indicates that disruption of this splice site induces altered splicing and may result in an absent or altered protein product. This variant is not present in population databases (gnomAD no frequency). Disruption of this splice site has been observed in individual(s) with ovarian cancer (PMID: 22725699). ClinVar contains an entry for this variant (Variation ID: 245991). Studies have shown that disruption of this splice site alters mRNA splicing and is expected to lead to the loss of protein expression (PMID: 22725699; internal data). For these reasons, this variant has been classified as Pathogenic.

Ambry Genetics
Classification: Pathogenic for Hereditary cancer-predisposing syndrome. Last evaluated: 2024-08-27. Review status: criteria provided, single submitter. Criteria: Ambry Variant Classification Scheme 2023. Collection method: clinical testing. Allele origin: germline.
Comment: The c.905-2A>G intronic pathogenic mutation results from an A to G substitution two nucleotides upstream from coding exon 7 in the RAD51C gene. In addition to the clinical data presented in the literature, alterations that disrupt the canonical splice site are expected to cause aberrant splicing, resulting in an abnormal protein or a transcript that is subject to nonsense-mediated mRNA decay. As such, this alteration is classified as a disease-causing mutation.

Myriad Genetics, Inc.
Classification: Likely pathogenic for Breast-ovarian cancer, familial, susceptibility to, 3. Last evaluated: 2024-01-03. Review status: criteria provided, single submitter. Criteria: Myriad Autosomal Dominant, Autosomal Recessive and X-Linked Classification Criteria (2023). Collection method: clinical testing. Allele origin: unknown.
Comment: This variant is considered likely pathogenic. This variant occurs within a consensus splice junction and is predicted to result in abnormal mRNA splicing of either an out-of-frame exon or an in-frame exon necessary for protein stability and/or normal function.

GeneKor MSA
Classification: Pathogenic for Hereditary cancer-predisposing syndrome. Last evaluated: 2020-01-01. Review status: criteria provided, single submitter. Criteria: ACMG Guidelines, 2015. Collection method: clinical testing. Allele origin: germline. Affected: yes.
Comment: This sequence change occurs 2 nucleotides before exon 7 of the RAD51C gene. This position is highly conserved in the human and other genomes and is crucial in mRNA processing. Experimental studies of this variant have shown that it causes incorrect splicing, resulting in skipping of exon 7, alteration in the reading frame and a truncated protein (PMID: 22725699). Truncating variants in RAD51C are known to be pathogenic. This variant has been described in the international literature in one family affected with ovarian cancer and lower abdominal tumors (PMID: 22725699) and in an individual undergoing panel testing for hereditary syndrome (PMID: 31159747). The mutation database ClinVar contains entries for this variant (Variation ID: 245991).

GeneDx
Classification: Pathogenic. Last evaluated: 2018-12-26. Review status: criteria provided, single submitter. Criteria: GeneDx Variant Classification (06012015). Collection method: clinical testing. Allele origin: germline. Affected: yes.
Comment: This variant is denoted RAD51C c.905-2A>G or IVS6-2A>G and consists of an A>G nucleotide substitution at the -2 position of intron 6 of the RAD51C gene. This variant has been reported in at least one individual with ovarian cancer, and splicing assays have demonstrated that this variant results in skipping of exon 7 and introduction of a frameshift (Coulet 2013). Based on currently available evidence, we consider this variant to be pathogenic.

Literature cited by the submitters: PubMed 22725699 (cited by Labcorp Genetics (formerly Invitae), Labcorp and Ambry Genetics); PubMed 25470109 (cited by Ambry Genetics).

NM_058216.3(RAD51C):c.905-2A>G

Gene: RAD51C (RAD51 paralog C; plus strand). Cytogenetic location: 17q22.
Variant type: single nucleotide variant.
Coding change: c.905-2A>G on transcript NM_058216.3 (MANE Select); the canonical splice acceptor site of the intron before coding-DNA position 905, A replaced by G.
Molecular consequence: splice acceptor variant.
Genome position (GRCh38, 1-based): chr17:58,724,038, A>G. VCF-style: chr17-58724038-A-G. GRCh37 (hg19) VCF-style: chr17-56801399-A-G.
Identifiers: ClinVar variation 245991 (VCV000245991.17), dbSNP rs779582317, ClinGen allele CA10584582.
Genomic context (GRCh38, chr17:58,724,038, plus strand): 5'-TCTGAGAAATGTATAACCAAGTCAGTAAGGCCATATACAGTTATTATGTTTTTTACTCTC[A>G]GGGGAAAGTTGGGGACATGCTGCTACAATACGGCTAATCTTTCATTGGGACCGAAAGCAA-3'